The following is an entry in ClinVar:

NM_000548.5(TSC2):c.848+281C>T

Gene: TSC2 (TSC complex subunit 2; plus strand). Cytogenetic location: 16p13.3.
Variant type: single nucleotide variant.
Coding change: c.848+281C>T on transcript NM_000548.5 (MANE Select); 281 bases into the intron after coding-DNA position 848, C replaced by T.
Molecular consequence: intron variant.
Genome position (GRCh38, 1-based): chr16:2,057,459, C>T. VCF-style: chr16-2057459-C-T. GRCh37 (hg19) VCF-style: chr16-2107460-C-T.
Other names: c.848+281C>T (NM_001114382.3, NM_021055.3, NM_001370405.1 and 3 more transcripts); c.737+281C>T (NM_001318827.2); c.248+281C>T (NM_001318831.2); c.701+281C>T (NM_001318829.2); c.881+281C>T (NM_001318832.2).
Identifiers: ClinVar variation 49923 (VCV000049923.28), dbSNP rs45517132, ClinGen allele CA023025.

ClinVar aggregate classification (germline): Pathogenic/Likely pathogenic. Review status: criteria provided, multiple submitters, no conflicts (2 of 4 stars). 11 submissions from 11 submitters: Pathogenic (9); Likely pathogenic (1). 1 of the submissions does not count toward it. Last evaluated 2025-12-01.

Conditions:
TSC2-related disorder. Also called: TSC2-related condition; TSC2-Related Disorders.
Hereditary cancer-predisposing syndrome. Also called: Hereditary Cancer Syndrome; Tumor predisposition; Neoplastic Syndromes, Hereditary; Hereditary neoplastic syndrome. Identifiers: Orphanet 140162, MedGen C0027672, MeSH D009386, MONDO:0015356.
Tuberous sclerosis syndrome (TSC). Also called: Tuberous Sclerosis Complex; Tuberous sclerosis. Identifiers: Orphanet 805, MedGen C0041341, MONDO:0001734.
Tuberous sclerosis 2 (TSC2). Identifiers: Orphanet 805, MedGen C1860707, MONDO:0013199, OMIM 613254.
Lymphangiomyomatosis (LAM). Also called: Lymphangioleiomyomatosis; Lymphangioleiomyomatosis, somatic. Identifiers: Orphanet 538, MedGen C0751674, MONDO:0011705, OMIM 606690.

Submissions (11):

CeGaT Center for Human Genetics Tuebingen
Classification: Likely pathogenic. Last evaluated: 2025-12-01. Review status: criteria provided, single submitter. Criteria: CeGaT Center For Human Genetics Tuebingen Variant Classification Criteria Version 2. Collection method: clinical testing. Allele origin: germline. Affected: yes. Observed: 1 variant allele.
Comment: TSC2: PM2, PS3:Moderate, PS4:Moderate, PP3

Labcorp Genetics (formerly Invitae), Labcorp
Classification: Pathogenic for Tuberous sclerosis 2. Last evaluated: 2025-10-26. Review status: criteria provided, single submitter. Criteria: Invitae Variant Classification Sherloc (09022015). Collection method: clinical testing. Allele origin: germline.
Comment: This sequence change falls in intron 9 of the TSC2 gene. It does not directly change the encoded amino acid sequence of the TSC2 protein. RNA analysis indicates that this variant induces altered splicing and may result in an absent or altered protein product. This variant is not present in population databases (gnomAD no frequency). This variant has been observed in individual(s) with tuberous sclerosis complex (TSC) (PMID: 10533066, 26540169; internal data). In at least one individual the variant was observed to be de novo. Invitae Evidence Modeling of clinical and family history, age, sex, and reported ancestry of multiple individuals with this TSC2 variant has been performed. This variant is expected to be pathogenic with a positive predictive value of at least 99%. This is a validated machine learning model that incorporates the clinical features of 1,224,362 individuals referred to our laboratory for TSC2 testing. This variant is also known as IVS8+281C>T. ClinVar contains an entry for this variant (Variation ID: 49923). Studies have shown that this variant results in a splicing defect, and produces a non-functional protein and/or introduces a premature termination codon (PMID: 10533066, 11068191). For these reasons, this variant has been classified as Pathogenic.

3billion
Classification: Pathogenic for Tuberous sclerosis 2. Last evaluated: 2025-05-29. Review status: criteria provided, single submitter. Criteria: ACMG Guidelines, 2015. Collection method: clinical testing. Allele origin: germline. Affected: yes.
Comment: The variant is not observed in the gnomAD v4.1.0 dataset. Predicted Consequence/Location: Intron variant: previously reported to alter splicing and result in a loss of normal protein function through nonsense-mediated decay (NMD) or protein truncation (PMID: 11068191). In silico tools predict the variant to alter splicing and produce an abnormal transcript [SpliceAI: 0.91 (spliceogenicity >=0.2, non-spliceogenicity <0.1)]. Intron variant: previously reported to alter splicing and result in a loss of normal protein function through nonsense-mediated decay (NMD) or protein truncation (PMID: 11068191). Therefore, this variant is classified as Pathogenic according to the recommendation of ACMG/AMP guideline.

Ambry Genetics
Classification: Pathogenic for Hereditary cancer-predisposing syndrome. Last evaluated: 2024-07-15. Review status: criteria provided, single submitter. Criteria: Ambry Variant Classification Scheme 2023. Collection method: clinical testing. Allele origin: germline.
Comment: The c.848+281C>T intronic pathogenic mutation results from a C to T substitution 281 nucleotides after coding exon 8 in the TSC2 gene. This alteration has been detected in individuals meeting diagnostic criteria for tuberous sclerosis complex (Ambry internal data; Mayer K et al. Hum. Mutat., 1999;14:401-11; Tyburczy ME et al. PLoS Genet., 2015 Nov;11:e1005637). In silico splice site analysis predicts that this alteration will result in the creation or strengthening of a novel splice donor site. RNA studies have shown this alteration creates a cryptic splice donor site that results in a frameshift and premature termination (Ambry internal data; Mayer K et al. Biochim. Biophys. Acta, 2000 Nov;1502:495-507). This variant is considered to be rare based on population cohorts in the Genome Aggregation Database (gnomAD). Based on the supporting evidence, this alteration is interpreted as a disease-causing mutation.

Department of Pathology and Laboratory Medicine, Sinai Health System
Classification: Pathogenic for tuberous sclerosis. Last evaluated: 2024-07-12. Review status: criteria provided, single submitter. Criteria: ACMG Guidelines, 2015. Collection method: clinical testing. Allele origin: germline.

Genome-Nilou Lab
Classification: Pathogenic for Tuberous sclerosis 2. Last evaluated: 2021-11-07. Review status: criteria provided, single submitter. Criteria: ACMG Guidelines, 2015. Collection method: clinical testing. Allele origin: germline. Affected: no.

GeneDx
Classification: Pathogenic. Last evaluated: 2021-07-23. Review status: criteria provided, single submitter. Criteria: GeneDx Variant Classification Process June 2021. Collection method: clinical testing. Allele origin: germline. Affected: yes.
Comment: Non-canonical splice site variant demonstrated to result in loss-of-function; RNA studies indicate the variant activates a cryptic splice donor site in intron 9, leading to the addition of incorrect amino acids and an additional stop codon in exon 10 (Mayer et al., 1999; Mayer et al., 2000); In silico analysis supports a deleterious effect on splicing; No data available from ethnically-matched control populations to assess the frequency of this variant; This variant is associated with the following publications: (PMID: 19823873, 10533066, 11068191, 32860008, 26540169)

Blueprint Genetics
Classification: Pathogenic for TSC2-related disorders. Last evaluated: 2021-03-31. Review status: criteria provided, single submitter. Criteria: ACMG Guidelines, 2015. Collection method: clinical testing. Allele origin: germline. Affected: yes. Observed: 3 variant alleles.

Centre for Mendelian Genomics, University Medical Centre Ljubljana
Classification: Pathogenic for Lymphangiomyomatosis. Last evaluated: 2018-12-21. Review status: criteria provided, single submitter. Criteria: ACMG Guidelines, 2015. Collection method: clinical testing. Allele origin: unknown. Affected: yes.
Comment: This variant was classified as: Pathogenic. The following ACMG criteria were applied in classifying this variant: PM2,PS1.

CENTOGENE GmbH and LLC - Guiding Precision Medicine
Classification: Pathogenic for Tuberous sclerosis 2. Review status: criteria provided, single submitter. Criteria: ACMG Guidelines, 2015. Collection method: clinical testing. Allele origin: de novo. Affected: yes.

Tuberous sclerosis database (TSC2)
No classification provided. Condition: TSC. Review status: no classification provided. Criteria: Tuberous Sclerosis Database Assertion Criteria 2015. Collection method: curation. Allele origin: germline. Affected: yes. Not counted in ClinVar's aggregate classification.

Literature cited by the submitters: PubMed 10533066 (cited by 3 submitters); PubMed 26540169 (cited by 3 submitters); PubMed 11068191 (cited by 4 submitters); PubMed 19823873 (cited by Ambry Genetics); PubMed 32860008 (cited by CENTOGENE GmbH and LLC - Guiding Precision Medicine).